The following is an entry in ClinVar:

ClinVar aggregate classification (germline): Uncertain significance. Review status: criteria provided, multiple submitters, no conflicts (2 of 4 stars). 2 submissions from 2 submitters: Uncertain significance (2). Last evaluated 2025-11-13.

Conditions:
Inborn genetic diseases. Identifiers: MedGen C0950123, MeSH D030342.
Progressive sclerosing poliodystrophy (MTDPS4A). Also called: Mitochondrial DNA depletion syndrome 4A (Alpers type); ALPERS PROGRESSIVE INFANTILE POLIODYSTROPHY; NEURONAL DEGENERATION OF CHILDHOOD WITH LIVER DISEASE, PROGRESSIVE; Alpers Syndrome; ALPERS DIFFUSE DEGENERATION OF CEREBRAL GRAY MATTER WITH HEPATIC CIRRHOSIS; Alpers-Huttenlocher Syndrome. Identifiers: Orphanet 726, MedGen C0205710, MONDO:0008758, OMIM 203700.

Submissions (2):

Ambry Genetics
Classification: Uncertain significance for Inborn genetic diseases. Last evaluated: 2025-11-13. Review status: criteria provided, single submitter. Criteria: Ambry Variant Classification Scheme 2023. Collection method: clinical testing. Allele origin: germline.

Labcorp Genetics (formerly Invitae), Labcorp
Classification: Uncertain significance for Progressive sclerosing poliodystrophy. Last evaluated: 2023-05-18. Review status: criteria provided, single submitter. Criteria: Invitae Variant Classification Sherloc (09022015). Collection method: clinical testing. Allele origin: germline.
Comment: This variant has not been reported in the literature in individuals affected with POLG-related conditions. Advanced modeling of protein sequence and biophysical properties (such as structural, functional, and spatial information, amino acid conservation, physicochemical variation, residue mobility, and thermodynamic stability) performed at Invitae indicates that this missense variant is expected to disrupt POLG protein function. This variant is not present in population databases (gnomAD no frequency). In summary, the available evidence is currently insufficient to determine the role of this variant in disease. Therefore, it has been classified as a Variant of Uncertain Significance. This sequence change replaces serine, which is neutral and polar, with alanine, which is neutral and non-polar, at codon 1201 of the POLG protein (p.Ser1201Ala).

NM_002693.3(POLG):c.3601T>G (p.Ser1201Ala)

Gene: POLG (DNA polymerase gamma, catalytic subunit; minus strand). Cytogenetic location: 15q26.1.
Variant type: single nucleotide variant.
Coding change: c.3601T>G on transcript NM_002693.3 (MANE Select); coding-DNA position 3601, T replaced by G.
Protein change: p.Ser1201Ala; replaces serine 1201 with alanine.
Molecular consequence: missense variant.
Genome position (GRCh38, 1-based): chr15:89,317,418, A>C on the plus strand (T>G on the coding strand, the complement: POLG is on the minus strand). VCF-style: chr15-89317418-A-C. GRCh37 (hg19) VCF-style: chr15-89860649-A-C.
Other names: c.3601T>G, p.Ser1201Ala (NM_001126131.2); short protein forms S1201A.
Identifiers: ClinVar variation 2865466 (VCV002865466.4), dbSNP rs2509183043, ClinGen allele CA393747353.
Genomic context (GRCh38, chr15:89,317,418, plus strand): 5'-CAAATGTGTTGTGCTCACCCTGGGGAATCCCGTATCTCCTTTCCATCCCAGTTGGGTTGG[A>C]AGGGGTTTTACAATCCATGGTCACTTCCTTCCTGAGGCACCGGTCAATATCGACTGCACT-3'
Protein context (NP_002684.1, residues 1191-1211): KEVTMDCKTP[Ser1201Ala]NPTGMERRYG